The following is an entry in ClinVar:

NM_000023.4(SGCA):c.377dup (p.Asp126fs)

Gene: SGCA (sarcoglycan alpha; plus strand). Cytogenetic location: 17q21.33.
Variant type: Duplication.
Coding change: c.377dup on transcript NM_000023.4 (MANE Select); coding-DNA position 377, one base duplicated (A; older notation c.377dupA).
Protein change: p.Asp126fs; shifts the reading frame from aspartic acid 126.
Molecular consequence: frameshift variant. On other transcripts: non-coding transcript variant (1).
Genome position (GRCh38, 1-based): chr17:50,168,011, A duplicated. VCF-style (leftmost placement, unchanged base first): chr17-50168010-G-GA. GRCh37 (hg19) VCF-style: chr17-48245371-G-GA.
Other names: c.377dup, p.Asp126fs (NM_001135697.3); short protein forms D126fs.
Identifiers: ClinVar variation 1073628 (VCV001073628.8), dbSNP rs1905070544, ClinGen allele CA500828185.

ClinVar aggregate classification (germline): Pathogenic/Likely pathogenic. Review status: criteria provided, multiple submitters, no conflicts (2 of 4 stars). 2 submissions from 2 submitters: Pathogenic (1); Likely pathogenic (1). Last evaluated 2023-05-17.

Conditions:
Autosomal recessive limb-girdle muscular dystrophy type 2D (LGMDR3). Also called: ADHALINOPATHY, PRIMARY; DUCHENNE-LIKE AUTOSOMAL RECESSIVE MUSCULAR DYSTROPHY, TYPE 2; MUSCULAR DYSTROPHY, LIMB-GIRDLE, AUTOSOMAL RECESSIVE 3. Identifiers: Orphanet 62, MedGen C2936332, MONDO:0011968, OMIM 608099. Disease mechanism: Affects gamma-sarcoglycan and also disrupts the integrity of the entire sarcoglycan complex..

Allele frequency attached by ClinVar (database versions not stated): TOPMed below 0.00001.

Submissions (2):

Baylor Genetics
Classification: Likely pathogenic for Autosomal recessive limb-girdle muscular dystrophy type 2D. Last evaluated: 2023-05-17. Review status: criteria provided, single submitter. Criteria: ACMG Guidelines, 2015. Collection method: clinical testing. Allele origin: unknown.

Labcorp Genetics (formerly Invitae), Labcorp
Classification: Pathogenic for Autosomal recessive limb-girdle muscular dystrophy type 2D. Last evaluated: 2018-04-23. Review status: criteria provided, single submitter. Criteria: Invitae Variant Classification Sherloc (09022015). Collection method: clinical testing. Allele origin: germline.
Comment: For these reasons, this variant has been classified as Pathogenic. Loss-of-function variants in SGCA are known to be pathogenic (PMID: 9192266). This variant has not been reported in the literature in individuals with SGCA-related disease. This variant is not present in population databases (ExAC no frequency). This sequence change creates a premature translational stop signal (p.Asp126Glufs*65) in the SGCA gene. It is expected to result in an absent or disrupted protein product.

Literature cited by the submitters: PubMed 9192266 (cited by Labcorp Genetics (formerly Invitae), Labcorp).